The following is an entry in ClinVar:

ClinVar aggregate classification (germline): Uncertain significance. Review status: criteria provided, multiple submitters, no conflicts (2 of 4 stars). 2 submissions from 2 submitters: Uncertain significance (2). Last evaluated 2026-08-15.

Allele frequency attached by ClinVar (database versions not stated): gnomAD exomes 0.00002 and 0.00008; ExAC 0.00007; gnomAD 0.00012 and 0.00013; TOPMed 0.00015.
gnomAD v4.1: 57 of 1,614,036 alleles (0.0035%); highest among the groups gnomAD compares: African/African-American, 0.025%; no homozygotes.

Submissions (2):

GeneDx
Classification: Uncertain significance. Last evaluated: 2026-08-15. Review status: criteria provided, single submitter. Criteria: GeneDx Variant Classification Process June 2021. Collection method: clinical testing. Allele origin: germline.
Comment: In silico analysis supports that this missense variant has a deleterious effect on protein structure/function; Has not been previously published as pathogenic or benign to our knowledge

Labcorp Genetics (formerly Invitae), Labcorp
Classification: Uncertain significance. Last evaluated: 2022-02-11. Review status: criteria provided, single submitter. Criteria: Invitae Variant Classification Sherloc (09022015). Collection method: clinical testing. Allele origin: germline.
Comment: This sequence change replaces arginine, which is basic and polar, with histidine, which is basic and polar, at codon 76 of the HPS4 protein (p.Arg76His). This variant is present in population databases (rs756712181, gnomAD 0.04%). This variant has not been reported in the literature in individuals affected with HPS4-related conditions. Algorithms developed to predict the effect of missense changes on protein structure and function are either unavailable or do not agree on the potential impact of this missense change (SIFT: "Deleterious"; PolyPhen-2: "Possibly Damaging"; Align-GVGD: "Class C0"). In summary, the available evidence is currently insufficient to determine the role of this variant in disease. Therefore, it has been classified as a Variant of Uncertain Significance.

NM_022081.6(HPS4):c.227G>A (p.Arg76His)

Gene: HPS4 (HPS4 biogenesis of lysosomal organelles complex 3 subunit 2; minus strand). Cytogenetic location: 22q12.1.
Variant type: single nucleotide variant.
Coding change: c.227G>A on transcript NM_022081.6 (MANE Select); coding-DNA position 227, G replaced by A.
Protein change: p.Arg76His; replaces arginine 76 with histidine.
Molecular consequence: missense variant. On other transcripts: non-coding transcript variant (8).
Genome position (GRCh38, 1-based): chr22:26,477,042, C>T on the plus strand (G>A on the coding strand, the complement: HPS4 is on the minus strand). VCF-style: chr22-26477042-C-T. GRCh37 (hg19) VCF-style: chr22-26873008-C-T.
Other names: c.227G>A (NM_022081.5); c.227G>A, p.Arg76His (NM_001349896.1, NM_001349898.2, NM_001349899.2 and 6 more transcripts); c.212G>A, p.Arg71His (NM_152841.2); short protein forms R71H, R76H.
Identifiers: ClinVar variation 1517701 (VCV001517701.8), dbSNP rs756712181, ClinGen allele CA10163789.